The following is an entry in ClinVar:

ClinVar aggregate classification (germline): Uncertain significance (1 of 4 stars; one submission).

Submission:

Labcorp Genetics (formerly Invitae), Labcorp
Classification: Uncertain significance. Last evaluated: 2022-04-16. Review status: criteria provided, single submitter. Criteria: Invitae Variant Classification Sherloc (09022015). Collection method: clinical testing. Allele origin: germline.
Comment: In summary, the available evidence is currently insufficient to determine the role of this variant in disease. Therefore, it has been classified as a Variant of Uncertain Significance. Algorithms developed to predict the effect of missense changes on protein structure and function are either unavailable or do not agree on the potential impact of this missense change (SIFT: "Deleterious"; PolyPhen-2: "Probably Damaging"; Align-GVGD: "Class C0"). This missense change has been observed in individual(s) with pseudoxanthoma elasticum (PMID: 15723264, 16835894). This variant is not present in population databases (gnomAD no frequency). This sequence change replaces serine, which is neutral and polar, with arginine, which is basic and polar, at codon 1403 of the ABCC6 protein (p.Ser1403Arg).

Literature cited by the submitters: PubMed 15723264; PubMed 16835894.

NM_001171.6(ABCC6):c.4209C>G (p.Ser1403Arg)

Gene: ABCC6 (ATP binding cassette subfamily C member 6; minus strand). Cytogenetic location: 16p13.11.
Variant type: single nucleotide variant.
Coding change: c.4209C>G on transcript NM_001171.6 (MANE Select); coding-DNA position 4209, C replaced by G.
Protein change: p.Ser1403Arg; replaces serine 1403 with arginine.
Molecular consequence: missense variant. On other transcripts: non-coding transcript variant (1).
Genome position (GRCh38, 1-based): chr16:16,150,772, G>C on the plus strand (C>G on the coding strand, the complement: ABCC6 is on the minus strand). VCF-style: chr16-16150772-G-C. GRCh37 (hg19) VCF-style: chr16-16244629-G-C.
Other names: c.3867C>G, p.Ser1289Arg (NM_001351800.1); short protein forms S1289R, S1403R.
Identifiers: ClinVar variation 2126656 (VCV002126656.4), dbSNP rs63750700, ClinGen allele CA394884106.
Genomic context (GRCh38, chr16:16,150,772, plus strand): 5'-GAGGATCTGGGTCTTCCGGAGAAGGGCACGTGCCAGACACAGGAGCTGTTTCTGGCCCAC[G>C]CTGGGAACGATTGGGACAATTAGCTGGGACGTGCGTTTGTCGGCACATGGTGATGTGTGG-3'
Protein context (NP_001162.5, residues 1393-1413): YKCADRGEDL[Ser1403Arg]VGQKQLLCLA